The following is an entry in ClinVar:

NM_000052.7(ATP7A):c.3153C>A (p.His1051Gln)

Gene: ATP7A (ATPase copper transporting alpha; plus strand). Cytogenetic location: Xq21.1.
Variant type: single nucleotide variant.
Coding change: c.3153C>A on transcript NM_000052.7 (MANE Select); coding-DNA position 3153, C replaced by A.
Protein change: p.His1051Gln; replaces histidine 1051 with glutamine.
Molecular consequence: missense variant. On other transcripts: non-coding transcript variant (1).
Genome position (GRCh38, 1-based): chrX:78,031,441, C>A. VCF-style: chrX-78031441-C-A. GRCh37 (hg19) VCF-style: chrX-77286939-C-A.
Other names: c.2919C>A, p.His973Gln (NM_001282224.2); short protein forms H1051Q, H973Q.
Identifiers: ClinVar variation 972002 (VCV000972002.10), dbSNP rs142998552, ClinGen allele CA413603512.

ClinVar aggregate classification (germline): Uncertain significance. Review status: criteria provided, multiple submitters, no conflicts (2 of 4 stars). 3 submissions from 3 submitters: Uncertain significance (2). 1 of the submissions does not count toward it. Last evaluated 2024-09-17.

Conditions:
Menkes kinky-hair syndrome (MNK). Also called: Copper transport disease; Classic Menkes Disease; Menkes Disease. Identifiers: Orphanet 565, MedGen C0022716, MONDO:0010651, OMIM 309400.
Cutis laxa, X-linked (OHS). Also called: Occipital horn syndrome; EDS IX. Identifiers: Orphanet 198, MedGen C0268353, MONDO:0010572, OMIM 304150.
X-linked distal spinal muscular atrophy type 3. Also called: NEURONOPATHY, DISTAL HEREDITARY MOTOR, X-LINKED; NEUROPATHY, DISTAL HEREDITARY MOTOR, X-LINKED; ATP7A-Related Distal Motor Neuropathy; SPINAL MUSCULAR ATROPHY, DISTAL, X-LINKED RECESSIVE. Identifiers: Orphanet 139557, MedGen C1845359, MONDO:0010338, OMIM 300489.

Allele frequency attached by ClinVar (database versions not stated): TOPMed 0.00001.
gnomAD v4.1: 2 of 1,209,091 alleles (0.00017%); highest among the groups gnomAD compares: Non-Finnish European, 0.00022%; no homozygotes.

Submissions (3):

Labcorp Genetics (formerly Invitae), Labcorp
Classification: Uncertain significance for X-linked distal spinal muscular atrophy type 3; Cutis laxa, X-linked; Menkes kinky-hair syndrome. Last evaluated: 2024-09-17. Review status: criteria provided, single submitter. Criteria: Invitae Variant Classification Sherloc (09022015). Collection method: clinical testing. Allele origin: germline.
Comment: This sequence change replaces histidine, which is basic and polar, with glutamine, which is neutral and polar, at codon 1051 of the ATP7A protein (p.His1051Gln). This variant is not present in population databases (gnomAD no frequency). This variant has not been reported in the literature in individuals affected with ATP7A-related conditions. ClinVar contains an entry for this variant (Variation ID: 972002). Invitae Evidence Modeling of protein sequence and biophysical properties (such as structural, functional, and spatial information, amino acid conservation, physicochemical variation, residue mobility, and thermodynamic stability) indicates that this missense variant is not expected to disrupt ATP7A protein function with a negative predictive value of 95%. In summary, the available evidence is currently insufficient to determine the role of this variant in disease. Therefore, it has been classified as a Variant of Uncertain Significance.

Blueprint Genetics
Classification: Uncertain significance. Last evaluated: 2023-03-23. Review status: criteria provided, single submitter. Criteria: ACMG Guidelines, 2015. Collection method: clinical testing. Allele origin: germline.

Natera, Inc.
Classification: Uncertain significance for Menkes kinky hair syndrome. Last evaluated: 2020-06-27. Review status: no assertion criteria provided. Collection method: clinical testing. Allele origin: germline. Not counted in ClinVar's aggregate classification.